The following is an entry in ClinVar:

NM_001170629.2(CHD8):c.410G>T (p.Gly137Val)

Gene: CHD8 (chromodomain helicase DNA binding protein 8; minus strand). Cytogenetic location: 14q11.2.
Variant type: single nucleotide variant.
Coding change: c.410G>T on transcript NM_001170629.2 (MANE Select); coding-DNA position 410, G replaced by T.
Protein change: p.Gly137Val; replaces glycine 137 with valine.
Molecular consequence: missense variant. On other transcripts: intron variant (1).
Genome position (GRCh38, 1-based): chr14:21,431,234, C>A on the plus strand (G>T on the coding strand, the complement: CHD8 is on the minus strand). VCF-style: chr14-21431234-C-A. GRCh37 (hg19) VCF-style: chr14-21899393-C-A.
Other names: c.6+577G>T (NM_020920.4); short protein forms G137V.
Identifiers: ClinVar variation 1737910 (VCV001737910.3), dbSNP rs752288417, ClinGen allele CA7091959.

ClinVar aggregate classification (germline): Uncertain significance. Review status: criteria provided, multiple submitters, no conflicts (2 of 4 stars). 2 submissions from 2 submitters: Uncertain significance (2). Last evaluated 2025-02-26.

Conditions:
Inborn genetic diseases. Identifiers: MedGen C0950123, MeSH D030342.
CHD8-related disorder. Also called: CHD8-related condition; CHD8-related disorders.

Allele frequency attached by ClinVar (database versions not stated): ExAC 0.00001; gnomAD 0.00002; TOPMed 0.00002.
gnomAD v4.1: 69 of 1,598,522 alleles (0.0043%); highest among the groups gnomAD compares: Non-Finnish European, 0.0058%; no homozygotes.

Submissions (2):

PreventionGenetics, part of Exact Sciences
Classification: Uncertain significance for CHD8-related condition. Last evaluated: 2025-02-26. Review status: criteria provided, single submitter. Criteria: ACMG Guidelines, 2015. Collection method: clinical testing. Allele origin: germline.
Comment: The CHD8 c.410G>T variant is predicted to result in the amino acid substitution p.Gly137Val. To our knowledge, this variant has not been reported in the literature. This variant is reported in 0.0052% of alleles in individuals of East Asian descent in gnomAD. At this time, the clinical significance of this variant is uncertain due to the absence of conclusive functional and genetic evidence.

Ambry Genetics
Classification: Uncertain significance for Inborn genetic diseases. Last evaluated: 2019-05-23. Review status: criteria provided, single submitter. Criteria: Ambry Variant Classification Scheme 2023. Collection method: clinical testing. Allele origin: germline.
Comment: The p.G137V variant (also known as c.410G>T), located in coding exon 1 of the CHD8 gene, results from a G to T substitution at nucleotide position 410. The glycine at codon 137 is replaced by valine, an amino acid with dissimilar properties. This amino acid position is well conserved in available vertebrate species. In addition, this alteration is predicted to be deleterious by in silico analysis. Since supporting evidence is limited at this time, the clinical significance of this alteration remains unclear.